The following is an entry in ClinVar:

ClinVar aggregate classification (germline): Uncertain significance. Review status: criteria provided, multiple submitters, no conflicts (2 of 4 stars). 2 submissions from 2 submitters: Uncertain significance (2). Last evaluated 2024-04-24.

Conditions:
Upshaw-Schulman syndrome (TTP). Also called: THROMBOTIC THROMBOCYTOPENIC PURPURA, HEREDITARY; Congenital thrombotic thrombocytopenic purpura. Identifiers: Orphanet 93583, MedGen C1268935, MONDO:0010122, OMIM 274150.

Allele frequency attached by ClinVar (database versions not stated): TOPMed 0.00001; ExAC 0.00012; gnomAD 0.00001; gnomAD exomes 0.00001.
gnomAD v4.1: 21 of 1,592,120 alleles (0.0013%); highest among the groups gnomAD compares: East Asian, 0.038%; no homozygotes.

Submissions (2):

Fulgent Genetics
Classification: Uncertain significance for Upshaw-Schulman syndrome. Last evaluated: 2024-04-24. Review status: criteria provided, single submitter. Criteria: ACMG Guidelines, 2015. Collection method: clinical testing. Allele origin: germline.

Labcorp Genetics (formerly Invitae), Labcorp
Classification: Uncertain significance. Last evaluated: 2022-08-09. Review status: criteria provided, single submitter. Criteria: Invitae Variant Classification Sherloc (09022015). Collection method: clinical testing. Allele origin: germline.
Comment: This sequence change replaces threonine, which is neutral and polar, with serine, which is neutral and polar, at codon 323 of the ADAMTS13 protein (p.Thr323Ser). This variant is present in population databases (rs782360062, gnomAD 0.07%). This missense change has been observed in individual(s) with thrombotic thrombocytopenic purpura (PMID: 17988227). Algorithms developed to predict the effect of missense changes on protein structure and function output the following: SIFT: "Tolerated"; PolyPhen-2: "Benign"; Align-GVGD: "Class C0". The serine amino acid residue is found in multiple mammalian species, which suggests that this missense change does not adversely affect protein function. In summary, the available evidence is currently insufficient to determine the role of this variant in disease. Therefore, it has been classified as a Variant of Uncertain Significance.

Literature cited by the submitters: PubMed 17988227 (cited by Labcorp Genetics (formerly Invitae), Labcorp).

NM_139027.6(ADAMTS13):c.968C>G (p.Thr323Ser)

Gene: ADAMTS13 (ADAM metallopeptidase with thrombospondin type 1 motif 13; plus strand). Cytogenetic location: 9q34.2.
Variant type: single nucleotide variant.
Coding change: c.968C>G on transcript NM_139027.6 (MANE Select); coding-DNA position 968, C replaced by G.
Protein change: p.Thr323Ser; replaces threonine 323 with serine.
Molecular consequence: missense variant.
Genome position (GRCh38, 1-based): chr9:133,430,082, C>G. VCF-style: chr9-133430082-C-G. GRCh37 (hg19) VCF-style: chr9-136295202-C-G.
Other names: c.968C>G, p.Thr323Ser (NM_139025.5); c.875C>G, p.Thr292Ser (NM_139026.6); short protein forms T292S, T323S.
Identifiers: ClinVar variation 1941729 (VCV001941729.3), dbSNP rs782360062, ClinGen allele CA200924866.